The following is an entry in ClinVar:

NM_003718.5(CDK13):c.3109G>A (p.Val1037Ile)

Gene: CDK13 (cyclin dependent kinase 13; plus strand). Cytogenetic location: 7p14.1.
Variant type: single nucleotide variant.
Coding change: c.3109G>A on transcript NM_003718.5 (MANE Select); coding-DNA position 3109, G replaced by A.
Protein change: p.Val1037Ile; replaces valine 1037 with isoleucine.
Molecular consequence: missense variant.
Genome position (GRCh38, 1-based): chr7:40,088,205, G>A. VCF-style: chr7-40088205-G-A. GRCh37 (hg19) VCF-style: chr7-40127804-G-A.
Other names: c.3109G>A, p.Val1037Ile (NM_031267.4); short protein forms V1037I.
Identifiers: ClinVar variation 3362852 (VCV003362852.3).

ClinVar aggregate classification (germline): Uncertain significance (1 of 4 stars; one submission).

Conditions:
Congenital heart defects, dysmorphic facial features, and intellectual developmental disorder (CHDFIDD). Identifiers: Orphanet 646278, MedGen C4479246, MONDO:0044302, OMIM 617360.

gnomAD v4.1: 1 of 1,613,806 alleles (0.000062%); highest among the groups gnomAD compares: East Asian, 0.0022%; no homozygotes.

Submission:

Neuberg Centre For Genomic Medicine, NCGM
Classification: Uncertain significance for Congenital heart defects, dysmorphic facial features, and intellectual developmental disorder. Review status: criteria provided, single submitter. Criteria: ACMG Guidelines, 2015. Collection method: clinical testing. Allele origin: germline. Inheritance: Autosomal dominant inheritance. Affected: yes.
Comment: The missense variant c.3109G>A (p.Val1037Ile) in the TRPC3 gene has not been reported previously as a pathogenic variant nor as a benign variant, to our knowledge. This variant is absent in the gnomAD Exomes. The amino acid Valine at position 1037 is changed to a Isoleucine changing protein sequence and it might alter its composition and physico-chemical properties. Multiple lines of computational evidence (Polyphen - Benign, SIFT - Tolerated and MutationTaster - Polymorphism) predict no damaging effect on protein structure and function for this variant. The amino acid change p.Val1037Ile in CDK13 is predicted as conserved by GERP++ and PhyloP across 100 vertebrates. For these reasons, this variant has been classified as Uncertain Significance.